The following is an entry in ClinVar:

NM_000455.5(STK11):c.878A>C (p.Glu293Ala)

Gene: STK11 (serine/threonine kinase 11; plus strand). Cytogenetic location: 19p13.3.
Variant type: single nucleotide variant.
Coding change: c.878A>C on transcript NM_000455.5 (MANE Select); coding-DNA position 878, A replaced by C.
Protein change: p.Glu293Ala; replaces glutamic acid 293 with alanine.
Molecular consequence: missense variant.
Genome position (GRCh38, 1-based): chr19:1,221,964, A>C. VCF-style: chr19-1221964-A-C. GRCh37 (hg19) VCF-style: chr19-1221963-A-C.
Other names: c.878A>C, p.Glu293Ala (NM_001407255.1); short protein forms E293A.
Identifiers: ClinVar variation 1764653 (VCV001764653.2), dbSNP rs2145428676, ClinGen allele CA402951197.

ClinVar aggregate classification (germline): Uncertain significance (1 of 4 stars; one submission).

Conditions:
Hereditary cancer-predisposing syndrome. Also called: Neoplastic Syndromes, Hereditary; Tumor predisposition; Hereditary Cancer Syndrome; Hereditary neoplastic syndrome. Identifiers: Orphanet 140162, MedGen C0027672, MeSH D009386, MONDO:0015356.

Submission:

Ambry Genetics
Classification: Uncertain significance for Hereditary cancer-predisposing syndrome. Last evaluated: 2022-09-29. Review status: criteria provided, single submitter. Criteria: Ambry Variant Classification Scheme 2023. Collection method: clinical testing. Allele origin: germline.
Comment: The p.E293A variant (also known as c.878A>C), located in coding exon 7 of the STK11 gene, results from an A to C substitution at nucleotide position 878. The glutamic acid at codon 293 is replaced by alanine, an amino acid with dissimilar properties. This amino acid position is not well conserved in available vertebrate species. In addition, the in silico prediction for this alteration is inconclusive. Since supporting evidence is limited at this time, the clinical significance of this alteration remains unclear.